The following is an entry in ClinVar:

NM_000218.3(KCNQ1):c.1394-32971T>A

Genes: KCNQ1 (potassium voltage-gated channel subfamily Q member 1; plus strand), KCNQ1OT1 (KCNQ1 opposite strand/antisense transcript 1; minus strand). Cytogenetic location: 11p15.5.
Variant type: single nucleotide variant.
Coding change: c.1394-32971T>A on transcript NM_000218.3 (MANE Select); 32971 bases into the intron before coding-DNA position 1394, T replaced by A.
Molecular consequence: intron variant.
Genome position (GRCh38, 1-based): chr11:2,628,990, T>A. VCF-style: chr11-2628990-T-A. GRCh37 (hg19) VCF-style: chr11-2650220-T-A.
Other names: c.1124-32971T>A (NM_001406837.1); c.1298-32971T>A (NM_001406836.1); c.854-32971T>A (NM_001406838.1); c.1013-32971T>A (NM_181798.2).
Identifiers: ClinVar variation 1879174 (VCV001879174.29), dbSNP rs571892728, ClinGen allele CA216143601.

ClinVar aggregate classification (germline): Likely benign (1 of 4 stars; one submission).

Allele frequency attached by ClinVar (database versions not stated): 1000 Genomes Project 30x 0.00062; 1000 Genomes Project 0.00080; TOPMed 0.00362; gnomAD exomes 0.00546.
gnomAD v4.1: 1,999 of 398,356 alleles (0.5%); highest among the groups gnomAD compares: Non-Finnish European, 0.74%; 9 homozygotes.

Submission:

CeGaT Center for Human Genetics Tuebingen
Classification: Likely benign. Last evaluated: 2026-09-01. Review status: criteria provided, single submitter. Criteria: CeGaT Center For Human Genetics Tuebingen Variant Classification Criteria Version 2. Collection method: clinical testing. Allele origin: germline. Affected: yes. Observed: 42 variant alleles.
Comment: KCNQ1: BS2; KCNQ1OT1: BS2